The following is an entry in ClinVar:

NM_002087.4(GRN):c.1712A>G (p.Lys571Arg)

Gene: GRN (granulin precursor; plus strand). Cytogenetic location: 17q21.31.
Variant type: single nucleotide variant.
Coding change: c.1712A>G on transcript NM_002087.4 (MANE Select); coding-DNA position 1712, A replaced by G.
Protein change: p.Lys571Arg; replaces lysine 571 with arginine.
Molecular consequence: missense variant.
Genome position (GRCh38, 1-based): chr17:44,352,728, A>G. VCF-style: chr17-44352728-A-G. GRCh37 (hg19) VCF-style: chr17-42430096-A-G.
Other names: c.1712A>G (NM_002087.2); short protein forms K571R.
Identifiers: ClinVar variation 1490868 (VCV001490868.7), dbSNP rs145344570, ClinGen allele CA8602283.

ClinVar aggregate classification (germline): Uncertain significance. Review status: criteria provided, multiple submitters, no conflicts (2 of 4 stars). 2 submissions from 2 submitters: Uncertain significance (2). Last evaluated 2025-02-03.

Conditions:
Inborn genetic diseases. Identifiers: MedGen C0950123, MeSH D030342.
GRN-related frontotemporal lobar degeneration with Tdp43 inclusions (FTD2). Also called: DEMENTIA, HEREDITARY DYSPHASIC DISINHIBITION; FRONTOTEMPORAL LOBAR DEGENERATION WITH UBIQUITIN-POSITIVE INCLUSIONS; FTLD-TDP, GRN-RELATED; GRN Frontotemporal Dementia; FRONTOTEMPORAL DEMENTIA WITH TDP43 INCLUSIONS, GRN-RELATED. Identifiers: Orphanet 100070, Orphanet 282, MedGen C1843792, MONDO:0011842, OMIM 607485. Disease mechanism: loss of function.
Neuronal ceroid lipofuscinosis 11. Also called: GRN-Related Neuronal Ceroid-Lipofuscinosis. Identifiers: Orphanet 314629, Orphanet 79262, MedGen C3539123, MONDO:0013866, OMIM 614706.

Allele frequency attached by ClinVar (database versions not stated): gnomAD exomes below 0.00001 and 0.00001; ExAC 0.00001; gnomAD 0.00003 and 0.00004; TOPMed 0.00005; ESP Exome Variant Server 0.00008.
gnomAD v4.1: 9 of 1,611,492 alleles (0.00056%); highest among the groups gnomAD compares: African/African-American, 0.012%; no homozygotes.

Submissions (2):

Labcorp Genetics (formerly Invitae), Labcorp
Classification: Uncertain significance for Neuronal ceroid lipofuscinosis 11; GRN-related frontotemporal lobar degeneration with Tdp43 inclusions. Last evaluated: 2025-02-03. Review status: criteria provided, single submitter. Criteria: Invitae Variant Classification Sherloc (09022015). Collection method: clinical testing. Allele origin: germline.
Comment: This sequence change replaces lysine, which is basic and polar, with arginine, which is basic and polar, at codon 571 of the GRN protein (p.Lys571Arg). This variant is present in population databases (rs145344570, gnomAD 0.01%). This variant has not been reported in the literature in individuals affected with GRN-related conditions. ClinVar contains an entry for this variant (Variation ID: 1490868). Invitae Evidence Modeling of protein sequence and biophysical properties (such as structural, functional, and spatial information, amino acid conservation, physicochemical variation, residue mobility, and thermodynamic stability) indicates that this missense variant is not expected to disrupt GRN protein function with a negative predictive value of 80%. In summary, the available evidence is currently insufficient to determine the role of this variant in disease. Therefore, it has been classified as a Variant of Uncertain Significance.

Ambry Genetics
Classification: Uncertain significance for Inborn genetic diseases. Last evaluated: 2023-12-26. Review status: criteria provided, single submitter. Criteria: Ambry Variant Classification Scheme 2023. Collection method: clinical testing. Allele origin: germline.